The following is an entry in ClinVar:

ClinVar aggregate classification (germline): Benign/Likely benign. Review status: criteria provided, multiple submitters, no conflicts (2 of 4 stars). 8 submissions from 8 submitters: Benign (4); Likely benign (2). 2 of the submissions do not count toward it. Last evaluated 2026-02-04.

Allele frequency attached by ClinVar (database versions not stated): 1000 Genomes Project 0.02556; ESP Exome Variant Server 0.02637; gnomAD exomes 0.02391; TOPMed 0.02446; 1000 Genomes Project 30x 0.02467; gnomAD 0.02484 and 0.02551; ExAC 0.02516.
gnomAD v4.1: 42,227 of 1,613,944 alleles (2.6%); highest among the groups gnomAD compares: East Asian, 7%; 658 homozygotes.

Submissions (8):

Labcorp Genetics (formerly Invitae), Labcorp
Classification: Benign. Last evaluated: 2026-02-04. Review status: criteria provided, single submitter. Criteria: Invitae Variant Classification Sherloc (09022015). Collection method: clinical testing. Allele origin: germline.

Blueprint Genetics
Classification: Likely benign. Last evaluated: 2024-11-27. Review status: criteria provided, single submitter. Criteria: ACMG Guidelines, 2015. Collection method: clinical testing. Allele origin: germline.

GeneDx
Classification: Benign. Last evaluated: 2015-04-08. Review status: criteria provided, single submitter. Criteria: GeneDx Variant Classification (06012015). Collection method: clinical testing. Allele origin: germline. Affected: yes.
Comment: This variant is considered likely benign or benign based on one or more of the following criteria: it is a conservative change, it occurs at a poorly conserved position in the protein, it is predicted to be benign by multiple in silico algorithms, and/or has population frequency not consistent with disease.

Genetic Services Laboratory, University of Chicago
Classification: Benign. Last evaluated: 2013-02-08. Review status: criteria provided, single submitter. Criteria: ACMG Guidelines, 2007. Collection method: clinical testing. Allele origin: germline. Inheritance: Autosomal recessive inheritance.

Breakthrough Genomics
Classification: Likely benign. Review status: criteria provided, single submitter. Criteria: ACMG Guidelines, 2015. Collection method: not provided. Allele origin: germline. Inheritance: Autosomal recessive inheritance. Affected: yes.

PreventionGenetics, part of Exact Sciences
Classification: Benign. Review status: criteria provided, single submitter. Criteria: ACMG Guidelines, 2015. Collection method: clinical testing. Allele origin: germline.

Clinical Genetics DNA and cytogenetics Diagnostics Lab, Erasmus MC, Erasmus Medical Center
Classification: Benign. Review status: no assertion criteria provided. Collection method: clinical testing. Allele origin: germline. Affected: yes. Study: VKGL Data-share Consensus. Not counted in ClinVar's aggregate classification.

Joint Genome Diagnostic Labs from Nijmegen and Maastricht, Radboudumc and MUMC+
Classification: Benign. Review status: no assertion criteria provided. Collection method: clinical testing. Allele origin: germline. Affected: yes. Study: VKGL Data-share Consensus. Not counted in ClinVar's aggregate classification.

NM_018249.6(CDK5RAP2):c.5418C>T (p.Pro1806=)

Gene: CDK5RAP2 (CDK5 regulatory subunit associated protein 2; minus strand). Cytogenetic location: 9q33.2.
Variant type: single nucleotide variant.
Coding change: c.5418C>T on transcript NM_018249.6 (MANE Select); coding-DNA position 5418, C replaced by T.
Protein change: p.Pro1806=; no amino-acid change (proline 1806 retained).
Molecular consequence: synonymous variant. On other transcripts: non-coding transcript variant (5).
Genome position (GRCh38, 1-based): chr9:120,400,775, G>A on the plus strand (C>T on the coding strand, the complement: CDK5RAP2 is on the minus strand). VCF-style: chr9-120400775-G-A. GRCh37 (hg19) VCF-style: chr9-123163053-G-A.
Other names: c.5181C>T, p.Pro1727= (NM_001011649.3); c.4728C>T, p.Pro1576= (NM_001272039.2).
Identifiers: ClinVar variation 158162 (VCV000158162.22), dbSNP rs3739822, ClinGen allele CA171589.